The following is an entry in ClinVar:

ClinVar aggregate classification (germline): Pathogenic (0 of 4 stars; one submission).

Conditions:
Intellectual disability. Also called: Intellectual functioning disability; intellectual disabilities; Intellectual developmental disorder. Identifiers: MedGen C3714756, MeSH D008607, MONDO:0001071, HP:0001249.

Submission:

Institute of Human Genetics, University of Leipzig Medical Center
Classification: Pathogenic for Intellectual disability. Last evaluated: 2021-02-25. Review status: no assertion criteria provided. Collection method: clinical testing. Allele origin: de novo. Inheritance: Autosomal dominant inheritance. Affected: yes. Observed: 1 variant allele, 1 heterozygote.
Comment: Inheritance was de novo (heterozygous). The variant was reviewed according to current ClinGen recommendations and classified as Pathogenic (criteria: 1A(0), 2A(1), 3C(0.9), 4C(0.15), 5A(0.15), Total score=2.2).

Single allele

Genes: RRP7A (ribosomal RNA processing 7 homolog A; minus strand), SCUBE1 (signal peptide, CUB domain and EGF like domain containing 1; minus strand), SEPTIN3 (septin 3; plus strand), SERHL2 (serine hydrolase like 2; plus strand), TTLL12 (tubulin tyrosine ligase like 12; minus strand) and 18 more. Cytogenetic location: 22q13.2.
Variant type: Deletion.
Identifiers: ClinVar variation 997811 (VCV000997811.1).